The following is an entry in ClinVar:

NM_000038.6(APC):c.3409G>A (p.Asp1137Asn)

Gene: APC (APC regulator of WNT signaling pathway; plus strand). Cytogenetic location: 5q22.2.
Variant type: single nucleotide variant.
Coding change: c.3409G>A on transcript NM_000038.6 (MANE Select); coding-DNA position 3409, G replaced by A.
Protein change: p.Asp1137Asn; replaces aspartic acid 1137 with asparagine.
Molecular consequence: missense variant.
Genome position (GRCh38, 1-based): chr5:112,839,003, G>A. VCF-style: chr5-112839003-G-A. GRCh37 (hg19) VCF-style: chr5-112174700-G-A.
Other names: c.3409G>A, p.Asp1137Asn (NM_001127510.3, NM_001354895.2, NM_001407450.1); c.3355G>A, p.Asp1119Asn (NM_001127511.3); c.3463G>A, p.Asp1155Asn (NM_001354896.2, NM_001407447.1, NM_001407448.1 and 1 more transcripts); c.3439G>A, p.Asp1147Asn (NM_001354897.2); c.3334G>A, p.Asp1112Asn (NM_001354898.2); c.3325G>A, p.Asp1109Asn (NM_001354899.2); c.3286G>A, p.Asp1096Asn (NM_001354900.2); c.3232G>A, p.Asp1078Asn (NM_001354901.2, NM_001407453.1); and 11 more; short protein forms D1008N, D1011N, D1036N, D1046N, D1054N, D1078N, D1096N, D1109N.
Identifiers: ClinVar variation 2429553 (VCV002429553.1), dbSNP rs2149891325, ClinGen allele CA16028804.

ClinVar aggregate classification (germline): Uncertain significance (1 of 4 stars; one submission).

Submission:

GeneDx
Classification: Uncertain significance. Last evaluated: 2022-08-09. Review status: criteria provided, single submitter. Criteria: GeneDx Variant Classification Process June 2021. Collection method: clinical testing. Allele origin: germline. Affected: yes.
Comment: Not observed at significant frequency in large population cohorts (gnomAD); In silico analysis supports that this missense variant does not alter protein structure/function; Has not been previously published as pathogenic or benign to our knowledge; This variant is associated with the following publications: (PMID: 18199528)